The following is an entry in ClinVar:

ClinVar aggregate classification (germline): Uncertain significance (1 of 4 stars; one submission).

gnomAD v4.1: 1 of 1,573,818 alleles (0.000064%); highest among the groups gnomAD compares: Non-Finnish European, 0.000086%; no homozygotes.

Submission:

Dasa
Classification: Uncertain significance. Last evaluated: 2025-07-16. Review status: criteria provided, single submitter. Criteria: DASA Assertion Criteria. Collection method: clinical testing. Allele origin: germline.
Comment: NM_002249.6(KCNN3):c.122A>T (p.Gln41Leu) is a missense variant that results in the substitution of glutamine with leucine. This variant is rare in population databases. Computational prediction algorithms are consistent with a benign effect. The currently available literature and clinical evidence are not sufficient to establish a definitive association between this variant and the reported condition. Therefore, this variant is classified as a variant of uncertain significance.

NM_002249.6(KCNN3):c.122A>T (p.Gln41Leu)

Gene: KCNN3 (potassium calcium-activated channel subfamily N member 3; minus strand). Cytogenetic location: 1q21.3.
Variant type: single nucleotide variant.
Coding change: c.122A>T on transcript NM_002249.6 (MANE Select); coding-DNA position 122, A replaced by T.
Protein change: p.Gln41Leu; replaces glutamine 41 with leucine.
Molecular consequence: missense variant.
Genome position (GRCh38, 1-based): chr1:154,869,843, T>A on the plus strand (A>T on the coding strand, the complement: KCNN3 is on the minus strand). VCF-style: chr1-154869843-T-A. GRCh37 (hg19) VCF-style: chr1-154842319-T-A.
Other names: c.122A>T, p.Gln41Leu (NM_001204087.2); short protein forms Q41L.
Identifiers: ClinVar variation 4885220 (VCV004885220.2).
Genomic context (GRCh38, chr1:154,869,843, plus strand): 5'-GGCTGCAGCGAGGGTCCCAGGGGCTGCTGGGGGGCTGCTGGTGGCGCTGGCGGTGGTGGC[T>A]GCTGCTGCTGTTGCTGCTGCTGCTGCTGCTGCTGCTCATCCCCAGAGGATGGACAGGGGC-3'
Protein context (NP_002240.3, residues 31-51): QQQQQQQQQQ[Gln41Leu]PPPPAPPAAP